The following is an entry in ClinVar:

ClinVar aggregate classification (germline): Uncertain significance (1 of 4 stars; one submission).

Submission:

GeneDx
Classification: Uncertain significance. Last evaluated: 2022-12-20. Review status: criteria provided, single submitter. Criteria: GeneDx Variant Classification Process June 2021. Collection method: clinical testing. Allele origin: germline. Affected: yes.
Comment: Not observed at significant frequency in large population cohorts (gnomAD); In silico analysis supports that this missense variant does not alter protein structure/function; Has not been previously published as pathogenic or benign to our knowledge; Variants in candidate genes are classified as variants of uncertain significance in accordance with ACMG guidelines (Richards et al., 2015)

NM_020987.5(ANK3):c.6508G>A (p.Val2170Ile)

Gene: ANK3 (ankyrin 3; minus strand). Cytogenetic location: 10q21.2.
Variant type: single nucleotide variant.
Coding change: c.6508G>A on transcript NM_020987.5 (MANE Select); coding-DNA position 6508, G replaced by A.
Protein change: p.Val2170Ile; replaces valine 2170 with isoleucine.
Molecular consequence: missense variant. On other transcripts: intron variant (4).
Genome position (GRCh38, 1-based): chr10:60,074,373, C>T on the plus strand (G>A on the coding strand, the complement: ANK3 is on the minus strand). VCF-style: chr10-60074373-C-T. GRCh37 (hg19) VCF-style: chr10-61834131-C-T.
Other names: c.4387+6164G>A (NM_001204403.2); c.4408+6164G>A (NM_001204404.2); c.4405+6164G>A (NM_001320874.2); c.1807+6164G>A (NM_001149.4); short protein forms V2170I.
Identifiers: ClinVar variation 2662662 (VCV002662662.1), dbSNP rs2492561279, ClinGen allele CA377013188.